The following is an entry in ClinVar:

NM_024529.5(CDC73):c.1411G>C (p.Ala471Pro)

Gene: CDC73 (cell division cycle 73; plus strand). Cytogenetic location: 1q31.2.
Variant type: single nucleotide variant.
Coding change: c.1411G>C on transcript NM_024529.5 (MANE Select); coding-DNA position 1411, G replaced by C.
Protein change: p.Ala471Pro; replaces alanine 471 with proline.
Molecular consequence: missense variant.
Genome position (GRCh38, 1-based): chr1:193,236,350, G>C. VCF-style: chr1-193236350-G-C. GRCh37 (hg19) VCF-style: chr1-193205480-G-C.
Other names: short protein forms A471P.
Identifiers: ClinVar variation 3657708 (VCV003657708.2).

ClinVar aggregate classification (germline): Uncertain significance (1 of 4 stars; one submission).

Conditions:
Parathyroid carcinoma (PRTC). Also called: Parathyroid gland carcinoma; CDC73-Related Parathyroid Carcinoma. Identifiers: Orphanet 143, MedGen C0687150, MONDO:0012004, OMIM 608266, HP:0006780.

Submission:

Labcorp Genetics (formerly Invitae), Labcorp
Classification: Uncertain significance for Parathyroid carcinoma. Last evaluated: 2024-06-28. Review status: criteria provided, single submitter. Criteria: Invitae Variant Classification Sherloc (09022015). Collection method: clinical testing. Allele origin: germline.
Comment: This sequence change replaces alanine, which is neutral and non-polar, with proline, which is neutral and non-polar, at codon 471 of the CDC73 protein (p.Ala471Pro). This variant is not present in population databases (gnomAD no frequency). This variant has not been reported in the literature in individuals affected with CDC73-related conditions. Advanced modeling of protein sequence and biophysical properties (such as structural, functional, and spatial information, amino acid conservation, physicochemical variation, residue mobility, and thermodynamic stability) performed at Invitae indicates that this missense variant is not expected to disrupt CDC73 protein function with a negative predictive value of 80%. In summary, the available evidence is currently insufficient to determine the role of this variant in disease. Therefore, it has been classified as a Variant of Uncertain Significance.